The following is an entry in ClinVar:

NM_005612.5(REST):c.2040T>G (p.Ile680Met)

Gene: REST (RE1 silencing transcription factor; plus strand). Cytogenetic location: 4q12.
Variant type: single nucleotide variant.
Coding change: c.2040T>G on transcript NM_005612.5 (MANE Select); coding-DNA position 2040, T replaced by G.
Protein change: p.Ile680Met; replaces isoleucine 680 with methionine.
Molecular consequence: missense variant.
Genome position (GRCh38, 1-based): chr4:56,930,898, T>G. VCF-style: chr4-56930898-T-G. GRCh37 (hg19) VCF-style: chr4-57797064-T-G.
Other names: c.2040T>G, p.Ile680Met (NM_001193508.2, NM_001363453.3); short protein forms I680M.
Identifiers: ClinVar variation 1517957 (VCV001517957.6), dbSNP rs2109575724, ClinGen allele CA357007950.

ClinVar aggregate classification (germline): Uncertain significance (1 of 4 stars; one submission).

Submission:

Labcorp Genetics (formerly Invitae), Labcorp
Classification: Uncertain significance. Last evaluated: 2021-09-08. Review status: criteria provided, single submitter. Criteria: Invitae Variant Classification Sherloc (09022015). Collection method: clinical testing. Allele origin: germline.
Comment: In summary, the available evidence is currently insufficient to determine the role of this variant in disease. Therefore, it has been classified as a Variant of Uncertain Significance. Algorithms developed to predict the effect of missense changes on protein structure and function output the following: SIFT: "Tolerated"; PolyPhen-2: "Benign"; Align-GVGD: "Class C0". The methionine amino acid residue is found in multiple mammalian species, which suggests that this missense change does not adversely affect protein function. This variant has not been reported in the literature in individuals affected with REST-related conditions. This variant is not present in population databases (ExAC no frequency). This sequence change replaces isoleucine with methionine at codon 680 of the REST protein (p.Ile680Met). The isoleucine residue is weakly conserved and there is a small physicochemical difference between isoleucine and methionine.